The following is an entry in ClinVar:

ClinVar aggregate classification (germline): Pathogenic. Review status: criteria provided, multiple submitters, no conflicts (2 of 4 stars). 2 submissions from 2 submitters: Pathogenic (2). Last evaluated 2023-05-05.

Conditions:
Familial adenomatous polyposis 1 (FAP1). Also called: POLYPOSIS, ADENOMATOUS INTESTINAL; FAMILIAL ADENOMATOUS POLYPOSIS 1, ATTENUATED. Identifiers: MedGen C2713442, MONDO:0021056, OMIM 175100. Disease mechanism: loss of function.

Submissions (2):

Myriad Genetics, Inc.
Classification: Pathogenic for Familial adenomatous polyposis 1. Last evaluated: 2023-05-05. Review status: criteria provided, single submitter. Criteria: Myriad Autosomal Dominant, Autosomal Recessive and X-Linked Classification Criteria (2023). Collection method: clinical testing. Allele origin: unknown.
Comment: This variant is considered pathogenic. This variant creates a frameshift predicted to result in premature protein truncation.

Labcorp Genetics (formerly Invitae), Labcorp
Classification: Pathogenic for Familial adenomatous polyposis 1. Last evaluated: 2023-04-14. Review status: criteria provided, single submitter. Criteria: Invitae Variant Classification Sherloc (09022015). Collection method: clinical testing. Allele origin: germline.
Comment: For these reasons, this variant has been classified as Pathogenic. A different truncation (p.Tyr2645Lysfs*14) that lies downstream of this variant has been determined to be pathogenic (PMID: 9824584, 1316610, 27081525, 8381579, 22135120, Invitae). This suggests that deletion of this region of the APC protein is causative of disease. This variant is expected to disrupt the EB1 and HDLG binding sites, which mediate interactions with the cytoskeleton (PMID: 15311282, 17293347). While functional studies have not been performed to directly test the effect on APC protein function, this suggests that disruption of the C-terminal portion of the protein is functionally important. ClinVar contains an entry for this variant (Variation ID: 861681). This premature translational stop signal has been observed in individual(s) with familial adenomatous polyposis (PMID: 23159591). This variant is not present in population databases (gnomAD no frequency). This sequence change creates a premature translational stop signal (p.Ile1055Metfs*5) in the APC gene. While this is not anticipated to result in nonsense mediated decay, it is expected to disrupt the last 1789 amino acid(s) of the APC protein.

Literature cited by the submitters: PubMed 9824584 (cited by Labcorp Genetics (formerly Invitae), Labcorp); PubMed 1316610 (cited by Labcorp Genetics (formerly Invitae), Labcorp); PubMed 27081525 (cited by Labcorp Genetics (formerly Invitae), Labcorp); PubMed 8381579 (cited by Labcorp Genetics (formerly Invitae), Labcorp); PubMed 22135120 (cited by Labcorp Genetics (formerly Invitae), Labcorp); PubMed 15311282 (cited by Labcorp Genetics (formerly Invitae), Labcorp); PubMed 17293347 (cited by Labcorp Genetics (formerly Invitae), Labcorp); PubMed 23159591 (cited by Labcorp Genetics (formerly Invitae), Labcorp).

NM_000038.6(APC):c.3165_3168del (p.Ile1055fs)

Gene: APC (APC regulator of Wnt signaling pathway; plus strand). Cytogenetic location: 5q22.2.
Variant type: Deletion.
Coding change: c.3165_3168del on transcript NM_000038.6 (MANE Select); coding-DNA positions 3165 to 3168, 4 bases deleted (AATA; older notation c.3165_3168delAATA).
Protein change: p.Ile1055fs; shifts the reading frame from isoleucine 1055.
Molecular consequence: frameshift variant.
Genome position (GRCh38, 1-based): chr5:112,838,759-112,838,762, AATA deleted. VCF-style (leftmost placement, unchanged base first): chr5-112838758-TAATA-T. GRCh37 (hg19) VCF-style: chr5-112174455-TAATA-T.
Other names: c.3165_3168del, p.Ile1055fs (NM_001127510.3, NM_001354895.2); c.3111_3114del, p.Ile1037fs (NM_001127511.3); c.3219_3222del, p.Ile1073fs (NM_001354896.2); c.3195_3198del, p.Ile1065fs (NM_001354897.2); c.3090_3093del, p.Ile1030fs (NM_001354898.2); c.3081_3084del, p.Ile1027fs (NM_001354899.2); c.3042_3045del, p.Ile1014fs (NM_001354900.2); c.2988_2991del, p.Ile996fs (NM_001354901.2); and 5 more; short protein forms I1014fs, I772fs, I954fs, I1027fs, I1030fs, I1037fs, I1055fs, I1073fs.
Identifiers: ClinVar variation 861681 (VCV000861681.10), dbSNP rs1765350227, ClinGen allele CA916080342.